The following is an entry in ClinVar:

ClinVar aggregate classification (germline): Uncertain significance (1 of 4 stars; one submission).

gnomAD v4.1: 12 of 1,613,914 alleles (0.00074%); highest among the groups gnomAD compares: Middle Eastern, 0.016%; no homozygotes.

Submission:

Labcorp Genetics (formerly Invitae), Labcorp
Classification: Uncertain significance. Last evaluated: 2025-07-14. Review status: criteria provided, single submitter. Criteria: Invitae Variant Classification Sherloc (09022015). Collection method: clinical testing. Allele origin: germline.
Comment: This sequence change replaces leucine, which is neutral and non-polar, with valine, which is neutral and non-polar, at codon 539 of the KRT6B protein (p.Leu539Val). This variant is present in population databases (rs777803130, gnomAD 0.004%). This variant has not been reported in the literature in individuals affected with KRT6B-related conditions. ClinVar contains an entry for this variant (Variation ID: 3710195). Invitae Evidence Modeling of protein sequence and biophysical properties (such as structural, functional, and spatial information, amino acid conservation, physicochemical variation, residue mobility, and thermodynamic stability) indicates that this missense variant is not expected to disrupt KRT6B protein function with a negative predictive value of 95%. In summary, the available evidence is currently insufficient to determine the role of this variant in disease. Therefore, it has been classified as a Variant of Uncertain Significance.

NM_005555.4(KRT6B):c.1615C>G (p.Leu539Val)

Gene: KRT6B (keratin 6B; minus strand). Cytogenetic location: 12q13.13.
Variant type: single nucleotide variant.
Coding change: c.1615C>G on transcript NM_005555.4 (MANE Select); coding-DNA position 1615, C replaced by G.
Protein change: p.Leu539Val; replaces leucine 539 with valine.
Molecular consequence: missense variant.
Genome position (GRCh38, 1-based): chr12:52,447,270, G>C on the plus strand (C>G on the coding strand, the complement: KRT6B is on the minus strand). VCF-style: chr12-52447270-G-C. GRCh37 (hg19) VCF-style: chr12-52841054-G-C.
Other names: short protein forms L539V.
Identifiers: ClinVar variation 3710195 (VCV003710195.2).
Genomic context (GRCh38, chr12:52,447,270, plus strand): 5'-TGCTGGAGGAGGAGGTGGTGGTGTACTTGATGGTGGAACTGCCGCCTCCAACAGAGCTGA[G>C]GCCACCCCCAGTGGCTCTGCCGCTGCTGGAACTAAAGCCGCCTCCAACGCCAAGACCACT-3'
Protein context (NP_005546.2, residues 529-549): SSSGRATGGG[Leu539Val]SSVGGGSSTI